The following is an entry in ClinVar:

ClinVar aggregate classification (germline): Uncertain significance (1 of 4 stars; one submission).

Submission:

GeneDx
Classification: Uncertain significance. Last evaluated: 2023-12-07. Review status: criteria provided, single submitter. Criteria: GeneDx Variant Classification Process June 2021. Collection method: clinical testing. Allele origin: germline. Affected: yes.
Comment: Not observed at significant frequency in large population cohorts (gnomAD); In silico analysis supports that this missense variant has a deleterious effect on protein structure/function; Has not been previously published as pathogenic or benign to our knowledge

NM_002609.4(PDGFRB):c.1947G>T (p.Met649Ile)

Gene: PDGFRB (platelet derived growth factor receptor beta; minus strand). Cytogenetic location: 5q32.
Variant type: single nucleotide variant.
Coding change: c.1947G>T on transcript NM_002609.4 (MANE Select); coding-DNA position 1947, G replaced by T.
Protein change: p.Met649Ile; replaces methionine 649 with isoleucine.
Molecular consequence: missense variant.
Genome position (GRCh38, 1-based): chr5:150,124,326, C>A on the plus strand (G>T on the coding strand, the complement: PDGFRB is on the minus strand). VCF-style: chr5-150124326-C-A. GRCh37 (hg19) VCF-style: chr5-149503889-C-A.
Other names: c.1755G>T, p.Met585Ile (NM_001355016.2); c.1464G>T, p.Met488Ile (NM_001355017.2); short protein forms M488I, M585I, M649I.
Identifiers: ClinVar variation 3365251 (VCV003365251.1).